The following is an entry in ClinVar:

ClinVar aggregate classification (germline): Uncertain significance (1 of 4 stars; one submission).

Conditions:
Beckwith-Wiedemann syndrome (BWS). Also called: Exomphalos macroglossia gigantism syndrome; EMG SYNDROME. Identifiers: Orphanet 116, MedGen C0004903, MONDO:0007534, OMIM 130650.

Submission:

Labcorp Genetics (formerly Invitae), Labcorp
Classification: Uncertain significance for Beckwith-Wiedemann syndrome. Last evaluated: 2023-10-09. Review status: criteria provided, single submitter. Criteria: Invitae Variant Classification Sherloc (09022015). Collection method: clinical testing. Allele origin: germline.
Comment: This sequence change replaces proline, which is neutral and non-polar, with leucine, which is neutral and non-polar, at codon 208 of the CDKN1C protein (p.Pro208Leu). The frequency data for this variant in the population databases is considered unreliable, as metrics indicate insufficient coverage at this position in the gnomAD database. This variant has not been reported in the literature in individuals affected with CDKN1C-related conditions. Advanced modeling of protein sequence and biophysical properties (such as structural, functional, and spatial information, amino acid conservation, physicochemical variation, residue mobility, and thermodynamic stability) performed at Invitae indicates that this missense variant is not expected to disrupt CDKN1C protein function. In summary, the available evidence is currently insufficient to determine the role of this variant in disease. Therefore, it has been classified as a Variant of Uncertain Significance.

NM_001122630.2(CDKN1C):c.590C>T (p.Pro197Leu)

Gene: CDKN1C (cyclin dependent kinase inhibitor 1C; minus strand). Cytogenetic location: 11p15.4.
Variant type: single nucleotide variant.
Coding change: c.590C>T on transcript NM_001122630.2 (MANE Select); coding-DNA position 590, C replaced by T.
Protein change: p.Pro197Leu; replaces proline 197 with leucine.
Molecular consequence: missense variant. On other transcripts: intron variant (1).
Genome position (GRCh38, 1-based): chr11:2,884,867, G>A on the plus strand (C>T on the coding strand, the complement: CDKN1C is on the minus strand). VCF-style: chr11-2884867-G-A. GRCh37 (hg19) VCF-style: chr11-2906097-G-A.
Other names: c.623C>T, p.Pro208Leu (NM_000076.2, NM_001362474.2); c.590C>T, p.Pro197Leu (NM_001122631.2); c.255+335C>T (NM_001362475.2); short protein forms P197L, P208L.
Identifiers: ClinVar variation 2730441 (VCV002730441.3), dbSNP rs2494385592, ClinGen allele CA379146250.
Genomic context (GRCh38, chr11:2,884,867, plus strand): 5'-GCGCCCTGCTCGGCGCTCTCTTGAGGCGCCGCGTCCGGGGCCGGGGCCGGGGCGGGGGCC[G>A]GGGCCGGGGCCGGGGCCGGGGCTGGGGCCGGGGCCGCGACTGGAGCCGGGGCCGGAGCCG-3'
Protein context (NP_001116102.1, residues 187-207): PAPAPAPAPA[Pro197Leu]APAPAPAPDA